The following is an entry in ClinVar:

ClinVar aggregate classification (germline): Likely pathogenic (1 of 4 stars; one submission).

Conditions:
Severe combined immunodeficiency, autosomal recessive, T cell-negative, B cell-negative, NK cell-positive. Also called: Severe combined immunodeficiency due to complete RAG1/2 deficiency; SCID, T CELL-NEGATIVE, B CELL-NEGATIVE, NK CELL-POSITIVE; SCID, AR, T-cell negative, B-cell negative, NK cell-positive. Identifiers: Orphanet 331206, MedGen C1832322, MONDO:0011086, OMIM 601457.
Combined immunodeficiency with skin granulomas. Identifiers: Orphanet 157949, MedGen C2673536, MONDO:0009306, OMIM 233650.

Submission:

Labcorp Genetics (formerly Invitae), Labcorp
Classification: Likely pathogenic for Combined immunodeficiency with skin granulomas; Severe combined immunodeficiency, autosomal recessive, T cell-negative, B cell-negative, NK cell-positive. Last evaluated: 2022-11-29. Review status: criteria provided, single submitter. Criteria: Invitae Variant Classification Sherloc (09022015). Collection method: clinical testing. Allele origin: germline.
Comment: This sequence change replaces arginine, which is basic and polar, with proline, which is neutral and non-polar, at codon 973 of the RAG1 protein (p.Arg973Pro). Advanced modeling of protein sequence and biophysical properties (such as structural, functional, and spatial information, amino acid conservation, physicochemical variation, residue mobility, and thermodynamic stability) performed at Invitae indicates that this missense variant is expected to disrupt RAG1 protein function. In summary, the currently available evidence indicates that the variant is pathogenic, but additional data are needed to prove that conclusively. Therefore, this variant has been classified as Likely Pathogenic. This variant disrupts the p.Arg973 amino acid residue in RAG1. Other variant(s) that disrupt this residue have been determined to be pathogenic (PMID: 11313270, 28747913, 30307608). This suggests that this residue is clinically significant, and that variants that disrupt this residue are likely to be disease-causing. ClinVar contains an entry for this variant (Variation ID: 863578). This variant has not been reported in the literature in individuals affected with RAG1-related conditions. This variant is not present in population databases (gnomAD no frequency).

Literature cited by the submitters: PubMed 11313270; PubMed 28747913; PubMed 30307608.

NM_000448.3(RAG1):c.2918G>C (p.Arg973Pro)

Gene: RAG1 (recombination activating 1; plus strand). Cytogenetic location: 11p12.
Variant type: single nucleotide variant.
Coding change: c.2918G>C on transcript NM_000448.3 (MANE Select); coding-DNA position 2918, G replaced by C.
Protein change: p.Arg973Pro; replaces arginine 973 with proline.
Molecular consequence: missense variant.
Genome position (GRCh38, 1-based): chr11:36,576,222, G>C. VCF-style: chr11-36576222-G-C. GRCh37 (hg19) VCF-style: chr11-36597772-G-C.
Other names: c.2918G>C, p.Arg973Pro (NM_001377277.1, NM_001377278.1, NM_001377279.1 and 1 more transcripts); short protein forms R973P.
Identifiers: ClinVar variation 863578 (VCV000863578.9), dbSNP rs1384545687, ClinGen allele CA380135996.
Genomic context (GRCh38, chr11:36,576,222, plus strand): 5'-ATGGCTCCATTGGGGCATGGGCAAGTGAGGGAAATGAGTCTGGTAACAAACTGTTTAGGC[G>C]CTTCCGGAAAATGAATGCCAGGCAGTCCAAATGCTATGAGATGGAAGATGTCCTGAAACA-3'
Protein context (NP_000439.2, residues 963-983): GNESGNKLFR[Arg973Pro]FRKMNARQSK